The following is an entry in ClinVar:

NM_177550.5(SLC13A5):c.517G>A (p.Val173Met)

Gene: SLC13A5 (solute carrier family 13 member 5; minus strand). Cytogenetic location: 17p13.1.
Variant type: single nucleotide variant.
Coding change: c.517G>A on transcript NM_177550.5 (MANE Select); coding-DNA position 517, G replaced by A.
Protein change: p.Val173Met; replaces valine 173 with methionine.
Molecular consequence: missense variant.
Genome position (GRCh38, 1-based): chr17:6,703,908, C>T on the plus strand (G>A on the coding strand, the complement: SLC13A5 is on the minus strand). VCF-style: chr17-6703908-C-T. GRCh37 (hg19) VCF-style: chr17-6607227-C-T.
Other names: c.517G>A, p.Val173Met (NM_001143838.3); c.466G>A, p.Val156Met (NM_001284509.2); c.388G>A, p.Val130Met (NM_001284510.2); short protein forms V130M, V156M, V173M.
Identifiers: ClinVar variation 1302177 (VCV001302177.7), dbSNP rs2151494980, ClinGen allele CA397749966.
Genomic context (GRCh38, chr17:6,703,908, plus strand): 5'-GGCCTGGCAGTGCCCTGGCCAGGGGCTCACCTGGCAGCTCCTTGGCCTTGCCCTTGTCCA[C>T]CAGCTCCAGGCCGGCCTCGGTGGCTGCGCTTGTGGCTTCCATCTGCTGCAATATGGCCTC-3'
Protein context (NP_808218.1, residues 163-183): SAATEAGLEL[Val173Met]DKGKAKELPG

ClinVar aggregate classification (germline): Uncertain significance. Review status: criteria provided, multiple submitters, no conflicts (2 of 4 stars). 2 submissions from 2 submitters: Uncertain significance (2). Last evaluated 2022-07-19.

Conditions:
Developmental and epileptic encephalopathy, 25 (DEE25). Also called: Developmental and epileptic encephalopathy 25, with amelogenesis imperfecta; Epileptic encephalopathy, early infantile, 25, with amelogenesis imperfecta; Epileptic encephalopathy, early infantile, 25. Identifiers: Orphanet 442835, MedGen C4014621, MONDO:0014392, OMIM 615905.

gnomAD v4.1: 1 of 1,574,918 alleles (0.000063%); highest among the groups gnomAD compares: Admixed American, 0.0017%; no homozygotes.

Submissions (2):

Labcorp Genetics (formerly Invitae), Labcorp
Classification: Uncertain significance for Developmental and epileptic encephalopathy, 25. Last evaluated: 2022-07-19. Review status: criteria provided, single submitter. Criteria: Invitae Variant Classification Sherloc (09022015). Collection method: clinical testing. Allele origin: germline.
Comment: This variant has not been reported in the literature in individuals affected with SLC13A5-related conditions. This sequence change replaces valine, which is neutral and non-polar, with methionine, which is neutral and non-polar, at codon 173 of the SLC13A5 protein (p.Val173Met). This variant is not present in population databases (gnomAD no frequency). ClinVar contains an entry for this variant (Variation ID: 1302177). Algorithms developed to predict the effect of missense changes on protein structure and function (SIFT, PolyPhen-2, Align-GVGD) all suggest that this variant is likely to be tolerated. In summary, the available evidence is currently insufficient to determine the role of this variant in disease. Therefore, it has been classified as a Variant of Uncertain Significance.

GeneDx
Classification: Uncertain significance. Last evaluated: 2019-07-15. Review status: criteria provided, single submitter. Criteria: GeneDx Variant Classification Process June 2021. Collection method: clinical testing. Allele origin: germline. Affected: yes.
Comment: Not observed in large population cohorts (Lek et al., 2016); In silico analysis, which includes protein predictors and evolutionary conservation, supports that this variant does not alter protein structure/function; Has not been previously published as pathogenic or benign to our knowledge